The following is an entry in ClinVar:

ClinVar aggregate classification (germline): Uncertain significance. Review status: criteria provided, multiple submitters, no conflicts (2 of 4 stars). 3 submissions from 3 submitters: Uncertain significance (3). Last evaluated 2025-12-29.

Conditions:
Colorectal cancer, hereditary nonpolyposis, type 7. Identifiers: Orphanet 144, MedGen C1858380, MONDO:0013725, OMIM 614385.

Submissions (3):

Center for Genomic Medicine, Rigshospitalet, Copenhagen University Hospital
Classification: Uncertain significance. Last evaluated: 2025-12-29. Review status: criteria provided, single submitter. Criteria: ACMG Guidelines, 2015. Collection method: clinical testing. Allele origin: germline.

Ambry Genetics
Classification: Uncertain significance. Last evaluated: 2024-12-25. Review status: criteria provided, single submitter. Criteria: Ambry Variant Classification Scheme 2023. Collection method: clinical testing. Allele origin: germline.
Comment: The p.E242K variant (also known as c.724G>A), located in coding exon 1 of the MLH3 gene, results from a G to A substitution at nucleotide position 724. The glutamic acid at codon 242 is replaced by lysine, an amino acid with similar properties. This amino acid position is conserved. In addition, this alteration is predicted to be deleterious by in silico analysis. Since supporting evidence is limited at this time, the clinical significance of this alteration remains unclear.

Labcorp Genetics (formerly Invitae), Labcorp
Classification: Uncertain significance for Colorectal cancer, hereditary nonpolyposis, type 7. Last evaluated: 2022-08-23. Review status: criteria provided, single submitter. Criteria: Invitae Variant Classification Sherloc (09022015). Collection method: clinical testing. Allele origin: germline.
Comment: Algorithms developed to predict the effect of missense changes on protein structure and function are either unavailable or do not agree on the potential impact of this missense change (SIFT: "Deleterious"; PolyPhen-2: "Possibly Damaging"; Align-GVGD: "Class C0"). In summary, the available evidence is currently insufficient to determine the role of this variant in disease. Therefore, it has been classified as a Variant of Uncertain Significance. This sequence change replaces glutamic acid, which is acidic and polar, with lysine, which is basic and polar, at codon 242 of the MLH3 protein (p.Glu242Lys). ClinVar contains an entry for this variant (Variation ID: 1040270). This variant has not been reported in the literature in individuals affected with MLH3-related conditions. This variant is not present in population databases (gnomAD no frequency).

NM_001040108.2(MLH3):c.724G>A (p.Glu242Lys)

Gene: MLH3 (mutL homolog 3; minus strand). Cytogenetic location: 14q24.3.
Variant type: single nucleotide variant.
Coding change: c.724G>A on transcript NM_001040108.2 (MANE Select); coding-DNA position 724, G replaced by A.
Protein change: p.Glu242Lys; replaces glutamic acid 242 with lysine.
Molecular consequence: missense variant.
Genome position (GRCh38, 1-based): chr14:75,048,932, C>T on the plus strand (G>A on the coding strand, the complement: MLH3 is on the minus strand). VCF-style: chr14-75048932-C-T. GRCh37 (hg19) VCF-style: chr14-75515635-C-T.
Other names: c.724G>A, p.Glu242Lys (NM_014381.3); short protein forms E242K.
Identifiers: ClinVar variation 1040270 (VCV001040270.13), dbSNP rs1892465052, ClinGen allele CA390449426.